The following is an entry in ClinVar:

ClinVar aggregate classification (germline): Benign. Review status: criteria provided, multiple submitters, no conflicts (2 of 4 stars). 3 submissions from 3 submitters: Benign (2). 1 of the submissions does not count toward it. Last evaluated 2021-09-16.

Conditions:
Hyaline fibromatosis syndrome (HFS). Also called: Hyalinosis, Inherited Systemic; HYALINOSIS, SYSTEMIC. Identifiers: Orphanet 2028, Orphanet 498474, MedGen C5574677, MONDO:0009229, OMIM 228600.
ANTXR2-related disorder. Also called: ANTXR2-related condition.

Submissions (4):

Fulgent Genetics
Classification: Benign for Hyaline fibromatosis syndrome. Last evaluated: 2021-09-16. Review status: criteria provided, single submitter. Criteria: ACMG Guidelines, 2015. Collection method: clinical testing. Allele origin: unknown.

GeneDx
Classification: Benign. Last evaluated: 2019-09-04. Review status: criteria provided, single submitter. Criteria: GeneDx Variant Classification Process June 2021. Collection method: clinical testing. Allele origin: germline. Affected: yes.

PreventionGenetics, part of Exact Sciences
Classification: Likely benign for ANTXR2-related condition. Last evaluated: 2019-09-20. Review status: no assertion criteria provided. Collection method: clinical testing. Allele origin: germline. Not counted in ClinVar's aggregate classification.
Comment: This variant is classified as likely benign based on ACMG/AMP sequence variant interpretation guidelines (Richards et al. 2015 PMID: 25741868, with internal and published modifications).

Dr. Peter K. Rogan Lab, Western University
No classification provided (evidence only). Condition: Familial cancer of breast. Review status: no classification provided. Collection method: in vitro. Allele origin: not applicable. Functional consequence: skipped exon. Not counted in ClinVar's aggregate classification.

NM_058172.6(ANTXR2):c.637-10del

Gene: ANTXR2 (ANTXR cell adhesion molecule 2; minus strand). Cytogenetic location: 4q21.21.
Variant type: Deletion.
Coding change: c.637-10del on transcript NM_058172.6 (MANE Select); 10 bases into the intron before coding-DNA position 637, one base deleted (T; older notation c.637-10delT).
Molecular consequence: intron variant.
Genome position (GRCh38, 1-based): chr4:80,036,042, A deleted on the plus strand (T on the coding strand, the reverse complement: ANTXR2 is on the minus strand); the first of 12 consecutive A bases (chr4:80,036,042-80,036,053); deleting any one gives the same sequence. VCF-style (leftmost placement, unchanged base first): chr4-80036041-GA-G. GRCh37 (hg19) VCF-style: chr4-80957195-GA-G.
Other names: NC_000004.11:g.80957207del; c.406-10del (NM_001286780.2, NM_001286781.2); c.637-10del (NM_001145794.2); c.637-21del (NM_058172.6).
Identifiers: ClinVar variation 349881 (VCV000349881.10), dbSNP rs373672335, ClinGen allele CA2981886.